The following is an entry in ClinVar:

NM_014055.4(IFT81):c.1150C>T (p.Arg384Cys)

Gene: IFT81 (intraflagellar transport 81; plus strand). Cytogenetic location: 12q24.11.
Variant type: single nucleotide variant.
Coding change: c.1150C>T on transcript NM_014055.4 (MANE Select); coding-DNA position 1150, C replaced by T.
Protein change: p.Arg384Cys; replaces arginine 384 with cysteine.
Molecular consequence: missense variant. On other transcripts: non-coding transcript variant (4).
Genome position (GRCh38, 1-based): chr12:110,163,027, C>T. VCF-style: chr12-110163027-C-T. GRCh37 (hg19) VCF-style: chr12-110600832-C-T.
Other names: c.1150C>T, p.Arg384Cys (NM_001143779.2, NM_001347946.2, NM_031473.4); c.220C>T, p.Arg74Cys (NM_001347947.2, NM_001347948.2); short protein forms R384C, R74C.
Identifiers: ClinVar variation 599487 (VCV000599487.9), dbSNP rs143130309, ClinGen allele CA6783276.

ClinVar aggregate classification (germline): Uncertain significance. Review status: criteria provided, multiple submitters, no conflicts (2 of 4 stars). 3 submissions from 3 submitters: Uncertain significance (2). 1 of the submissions does not count toward it. Last evaluated 2024-04-19.

Conditions:
Short stature. Identifiers: MedGen C0349588, HP:0004322.

Allele frequency attached by ClinVar (database versions not stated): gnomAD 0.00001 and 0.00002; ExAC 0.00002; gnomAD exomes 0.00002; TOPMed 0.00008; ESP Exome Variant Server 0.00015; 1000 Genomes Project 30x 0.00016; 1000 Genomes Project 0.00020.
gnomAD v4.1: 24 of 1,613,838 alleles (0.0015%); highest among the groups gnomAD compares: East Asian, 0.0089%; no homozygotes.

Submissions (3):

Blueprint Genetics
Classification: Uncertain significance. Last evaluated: 2024-04-19. Review status: criteria provided, single submitter. Criteria: ACMG Guidelines, 2015. Collection method: clinical testing. Allele origin: germline.

Labcorp Genetics (formerly Invitae), Labcorp
Classification: Uncertain significance. Last evaluated: 2022-10-18. Review status: criteria provided, single submitter. Criteria: Invitae Variant Classification Sherloc (09022015). Collection method: clinical testing. Allele origin: germline.
Comment: This sequence change replaces arginine, which is basic and polar, with cysteine, which is neutral and slightly polar, at codon 384 of the IFT81 protein (p.Arg384Cys). This variant is present in population databases (rs143130309, gnomAD 0.01%). This variant has not been reported in the literature in individuals affected with IFT81-related conditions. ClinVar contains an entry for this variant (Variation ID: 599487). Advanced modeling of protein sequence and biophysical properties (such as structural, functional, and spatial information, amino acid conservation, physicochemical variation, residue mobility, and thermodynamic stability) performed at Invitae indicates that this missense variant is expected to disrupt IFT81 protein function. In summary, the available evidence is currently insufficient to determine the role of this variant in disease. Therefore, it has been classified as a Variant of Uncertain Significance.

Institute of Human Genetics, FAU Erlangen, Friedrich-Alexander-Universität Erlangen-Nürnberg
Classification: Likely pathogenic for Short stature. Last evaluated: 2001-11-18. Review status: no assertion criteria provided. Collection method: case-control. Allele origin: paternal. Affected: yes. Not counted in ClinVar's aggregate classification.